The following is an entry in ClinVar:

NM_004304.5(ALK):c.3380T>C (p.Phe1127Ser)

Gene: ALK (ALK receptor tyrosine kinase; minus strand). Cytogenetic location: 2p23.2.
Variant type: single nucleotide variant.
Coding change: c.3380T>C on transcript NM_004304.5 (MANE Select); coding-DNA position 3380, T replaced by C.
Protein change: p.Phe1127Ser; replaces phenylalanine 1127 with serine.
Molecular consequence: missense variant.
Genome position (GRCh38, 1-based): chr2:29,222,587, A>G on the plus strand (T>C on the coding strand, the complement: ALK is on the minus strand). VCF-style: chr2-29222587-A-G. GRCh37 (hg19) VCF-style: chr2-29445453-A-G.
Other names: c.176T>C, p.Phe59Ser (NM_001353765.2); short protein forms F1127S, F59S.
Identifiers: ClinVar variation 1703293 (VCV001703293.10), dbSNP rs1405217832, ClinGen allele CA346464156.
Genomic context (GRCh38, chr2:29,222,587, plus strand): 5'-ACTTGCAGGGGGCTTGGGTCGTTGGGCATTCCGGACACCTGGCCTTCATACACCTCCCCA[A>G]AGGCGCCATGGCCCAGACCCCTGTGCAAAGGAGAAGACAAGAGGAGACAGAGTCAAACAG-3'
Protein context (NP_004295.2, residues 1117-1137): TLIRGLGHGA[Phe1127Ser]GEVYEGQVSG

ClinVar aggregate classification (germline): Uncertain significance. Review status: criteria provided, multiple submitters, no conflicts (2 of 4 stars). 3 submissions from 3 submitters: Uncertain significance (3). Last evaluated 2025-10-15.

Conditions:
Hereditary cancer-predisposing syndrome. Also called: Neoplastic Syndromes, Hereditary; Hereditary Cancer Syndrome; Tumor predisposition; Hereditary neoplastic syndrome. Identifiers: Orphanet 140162, MedGen C0027672, MeSH D009386, MONDO:0015356.
Neuroblastoma, susceptibility to, 3. Also called: ALK-Related Neuroblastic Tumor Susceptibility. Identifiers: Orphanet 635, MedGen C2751681, MONDO:0013083, OMIM 613014.

Allele frequency attached by ClinVar (database versions not stated): gnomAD exomes 0.00001.
gnomAD v4.1: 8 of 1,614,072 alleles (0.0005%); highest among the groups gnomAD compares: Non-Finnish European, 0.00068%; no homozygotes.

Submissions (3):

Ambry Genetics
Classification: Uncertain significance for Hereditary cancer-predisposing syndrome. Last evaluated: 2025-10-15. Review status: criteria provided, single submitter. Criteria: Ambry Variant Classification Scheme 2023. Collection method: clinical testing. Allele origin: germline.
Comment: The p.F1127S variant (also known as c.3380T>C), located in coding exon 21 of the ALK gene, results from a T to C substitution at nucleotide position 3380. The phenylalanine at codon 1127 is replaced by serine, an amino acid with highly dissimilar properties. This amino acid position is highly conserved in available vertebrate species. In addition, this alteration is predicted to be deleterious by in silico analysis. Based on the available evidence, the clinical significance of this variant remains unclear.

GeneDx
Classification: Uncertain significance. Last evaluated: 2022-02-23. Review status: criteria provided, single submitter. Criteria: GeneDx Variant Classification Process June 2021. Collection method: clinical testing. Allele origin: germline. Affected: yes.
Comment: Not observed at significant frequency in large population cohorts (gnomAD); In silico analysis supports that this missense variant has a deleterious effect on protein structure/function; Has not been previously published as pathogenic or benign to our knowledge

Labcorp Genetics (formerly Invitae), Labcorp
Classification: Uncertain significance for Neuroblastoma, susceptibility to, 3. Last evaluated: 2021-12-17. Review status: criteria provided, single submitter. Criteria: Invitae Variant Classification Sherloc (09022015). Collection method: clinical testing. Allele origin: germline.
Comment: Algorithms developed to predict the effect of missense changes on protein structure and function (SIFT, PolyPhen-2, Align-GVGD) all suggest that this variant is likely to be disruptive. In summary, the available evidence is currently insufficient to determine the role of this variant in disease. Therefore, it has been classified as a Variant of Uncertain Significance. This variant has not been reported in the literature in individuals affected with ALK-related conditions. This sequence change replaces phenylalanine, which is neutral and non-polar, with serine, which is neutral and polar, at codon 1127 of the ALK protein (p.Phe1127Ser). This variant is present in population databases (no rsID available, gnomAD 0.0009%).